The following is an entry in ClinVar:

NM_002474.3(MYH11):c.3276G>A (p.Leu1092=)

Gene: MYH11 (myosin heavy chain 11; minus strand). Cytogenetic location: 16p13.11.
Variant type: single nucleotide variant.
Coding change: c.3276G>A on transcript NM_002474.3 (MANE Select); coding-DNA position 3276, G replaced by A.
Protein change: p.Leu1092=; no amino-acid change (leucine 1092 retained).
Molecular consequence: synonymous variant.
Genome position (GRCh38, 1-based): chr16:15,737,466, C>T on the plus strand (G>A on the coding strand, the complement: MYH11 is on the minus strand). VCF-style: chr16-15737466-C-T. GRCh37 (hg19) VCF-style: chr16-15831323-C-T.
Other names: c.3297G>A, p.Leu1099= (NM_001040113.2, NM_001040114.2); c.3276G>A, p.Leu1092= (NM_022844.3).
Identifiers: ClinVar variation 922603 (VCV000922603.11), dbSNP rs756933550, ClinGen allele CA7922047.

ClinVar aggregate classification (germline): Likely benign. Review status: criteria provided, multiple submitters, no conflicts (2 of 4 stars). 3 submissions from 3 submitters: Likely benign (3). Last evaluated 2023-08-08.

Conditions:
Familial thoracic aortic aneurysm and aortic dissection (TAAD). Also called: Thoracic aortic aneurysms and dissections. Identifiers: Orphanet 91387, MedGen C4707243, MONDO:0019625.
Aortic aneurysm, familial thoracic 4 (AAT4). Also called: AORTIC ANEURYSM/AORTIC DISSECTION AND PATENT DUCTUS ARTERIOSUS. Identifiers: MedGen C1851504, MONDO:0007568, OMIM 132900.

Allele frequency attached by ClinVar (database versions not stated): TOPMed below 0.00001; gnomAD 0.00001.
gnomAD v4.1: 14 of 1,613,106 alleles (0.00087%); highest among the groups gnomAD compares: Admixed American, 0.0017%; no homozygotes.

Submissions (3):

All of Us Research Program, National Institutes of Health
Classification: Likely benign for Familial thoracic aortic aneurysm and aortic dissection. Last evaluated: 2023-08-08. Review status: criteria provided, single submitter. Criteria: ACMG Guidelines, 2015. Collection method: clinical testing. Allele origin: germline. Inheritance: Autosomal dominant inheritance. Observed: 4 variant alleles, 4 heterozygotes.
Comment: This study involves interpretation of variants in research participants for the purpose of population health screening. Participant phenotype was not available at the time of variant classification. Additional details can be found in publication PMID: 35346344, PMCID: PMC8962531

Labcorp Genetics (formerly Invitae), Labcorp
Classification: Likely benign for Aortic aneurysm, familial thoracic 4. Last evaluated: 2022-07-19. Review status: criteria provided, single submitter. Criteria: Invitae Variant Classification Sherloc (09022015). Collection method: clinical testing. Allele origin: germline.

Color Diagnostics, LLC DBA Color Health
Classification: Likely benign for Familial thoracic aortic aneurysm and aortic dissection. Last evaluated: 2018-11-08. Review status: criteria provided, single submitter. Criteria: ACMG Guidelines, 2015. Collection method: clinical testing. Allele origin: germline.